The following is an entry in ClinVar:

NM_000179.3(MSH6):c.2951A>G (p.Asn984Ser)

Gene: MSH6 (mutS homolog 6; plus strand). Cytogenetic location: 2p16.3.
Variant type: single nucleotide variant.
Coding change: c.2951A>G on transcript NM_000179.3 (MANE Select); coding-DNA position 2951, A replaced by G.
Protein change: p.Asn984Ser; replaces asparagine 984 with serine.
Molecular consequence: missense variant.
Genome position (GRCh38, 1-based): chr2:47,800,934, A>G. VCF-style: chr2-47800934-A-G. GRCh37 (hg19) VCF-style: chr2-48028073-A-G.
Other names: c.2561A>G, p.Asn854Ser (NM_001281492.2); c.2045A>G, p.Asn682Ser (NM_001281493.2, NM_001281494.2); short protein forms N682S, N854S, N984S.
Identifiers: ClinVar variation 1692254 (VCV001692254.1), dbSNP rs587779927, ClinGen allele CA346756240.

ClinVar aggregate classification (germline): Uncertain significance (1 of 4 stars; one submission).

Conditions:
Hereditary cancer-predisposing syndrome. Also called: Hereditary Cancer Syndrome; Hereditary neoplastic syndrome; Neoplastic Syndromes, Hereditary; Tumor predisposition. Identifiers: Orphanet 140162, MedGen C0027672, MeSH D009386, MONDO:0015356.

Submission:

Sema4
Classification: Uncertain significance for Hereditary cancer-predisposing syndrome. Last evaluated: 2021-12-17. Review status: criteria provided, single submitter. Criteria: Sema4 Curation Guidelines. Collection method: curation. Allele origin: germline.
Comment: The MSH6 c.2951A>G (p.N984S) variant has not been reported in the literature to our knowledge. It was not observed in the large and broad cohorts of the Genome Aggregation Database (PMID: 32461654). This variant has not been reported in ClinVar. Functional studies have not been performed, and in silico predictions of the variant's effect on protein function are inconclusive. The evidence is insufficient to meet ACMG/AMP criteria for classifying the variant as benign or pathogenic. Thus, the clinical significance of this variant is currently uncertain.